The following is an entry in ClinVar:

ClinVar aggregate classification (germline): Pathogenic (1 of 4 stars; one submission).

Submission:

CeGaT Center for Human Genetics Tuebingen
Classification: Pathogenic. Last evaluated: 2024-10-01. Review status: criteria provided, single submitter. Criteria: CeGaT Center For Human Genetics Tuebingen Variant Classification Criteria Version 2. Collection method: clinical testing. Allele origin: germline. Affected: yes. Observed: 1 variant allele.
Comment: PIEZO2: PVS1, PM2

NM_001378183.1(PIEZO2):c.4049del (p.Phe1350fs)

Gene: PIEZO2 (piezo type mechanosensitive ion channel component 2; minus strand). Cytogenetic location: 18p11.22.
Variant type: Deletion.
Coding change: c.4049del on transcript NM_001378183.1 (MANE Select); coding-DNA position 4049, one base deleted (T; older notation c.4049delT).
Protein change: p.Phe1350fs; shifts the reading frame from phenylalanine 1350.
Molecular consequence: frameshift variant.
Genome position (GRCh38, 1-based): chr18:10,752,754, A deleted on the plus strand (T on the coding strand, the reverse complement: PIEZO2 is on the minus strand); the first of 3 consecutive A bases (chr18:10,752,754-10,752,756); deleting any one gives the same sequence. VCF-style (leftmost placement, unchanged base first): chr18-10752753-GA-G. GRCh37 (hg19) VCF-style: chr18-10752751-GA-G.
Other names: c.4049del, p.Phe1350fs (NM_001410871.1); c.3974del, p.Phe1325fs (NM_022068.4); short protein forms F1325fs, F1350fs.
Identifiers: ClinVar variation 3389847 (VCV003389847.14).
Genomic context (GRCh38, chr18:10,752,753, plus strand): 5'-GTAGCGCAGGATGCTCTTGATGGGTTTCAACAGCAAATCGCCCCCAAAGAGCAGGAAGTA[GA>G]AACAGGCCACCAGGTACCCCATGCAAAAGATGCTGATCCTGGTGGTCCCAGTGATGAAGA-3'